The following is an entry in ClinVar:

ClinVar aggregate classification (germline): Uncertain significance (1 of 4 stars; one submission).

Submission:

CeGaT Center for Human Genetics Tuebingen
Classification: Uncertain significance. Last evaluated: 2026-09-01. Review status: criteria provided, single submitter. Criteria: CeGaT Center For Human Genetics Tuebingen Variant Classification Criteria Version 2. Collection method: clinical testing. Allele origin: germline. Affected: yes. Observed: 1 variant allele.
Comment: MME: PM2

NM_007289.4(MME):c.73A>G (p.Thr25Ala)

Gene: MME (membrane metalloendopeptidase; plus strand). Cytogenetic location: 3q25.2.
Variant type: single nucleotide variant.
Coding change: c.73A>G on transcript NM_007289.4 (MANE Select); coding-DNA position 73, A replaced by G.
Protein change: p.Thr25Ala; replaces threonine 25 with alanine.
Molecular consequence: missense variant.
Genome position (GRCh38, 1-based): chr3:155,084,240, A>G. VCF-style: chr3-155084240-A-G. GRCh37 (hg19) VCF-style: chr3-154802029-A-G.
Other names: c.73A>G, p.Thr25Ala (NM_000902.5, NM_001354642.2, NM_001354643.1 and 3 more transcripts); short protein forms T25A.
Identifiers: ClinVar variation 5041731 (VCV005041731.1).